The following is an entry in ClinVar:

ClinVar aggregate classification (germline): Uncertain significance. Review status: criteria provided, multiple submitters, no conflicts (2 of 4 stars). 2 submissions from 2 submitters: Uncertain significance (2). Last evaluated 2025-09-19.

Conditions:
Dyskeratosis congenita, autosomal dominant 2. Identifiers: MedGen C3151443, MONDO:0013521, OMIM 613989.
Idiopathic Pulmonary Fibrosis. Also called: Idiopathic fibrosing alveolitis, chronic form; idiopathic fibrosing alveolitis. Identifiers: Orphanet 2032, MedGen C1800706, MeSH D054990, MONDO:0800504.
Dyskeratosis congenita. Identifiers: Orphanet 1775, MedGen C0265965, MONDO:0015780.

Submissions (2):

Ambry Genetics
Classification: Uncertain significance for Dyskeratosis congenita. Last evaluated: 2025-09-19. Review status: criteria provided, single submitter. Criteria: Ambry Variant Classification Scheme 2023. Collection method: clinical testing. Allele origin: germline.
Comment: The c.1770-3C>T intronic variant results from a C to T substitution 3 nucleotides upstream from coding exon 4 in the TERT gene. This nucleotide position is not well conserved in available vertebrate species. In silico splice site analysis predicts that this alteration may weaken the native splice acceptor site. Based on the available evidence, the clinical significance of this variant remains unclear.

Labcorp Genetics (formerly Invitae), Labcorp
Classification: Uncertain significance for Dyskeratosis congenita, autosomal dominant 2; Idiopathic Pulmonary Fibrosis. Last evaluated: 2022-03-12. Review status: criteria provided, single submitter. Criteria: Invitae Variant Classification Sherloc (09022015). Collection method: clinical testing. Allele origin: germline.
Comment: In summary, the available evidence is currently insufficient to determine the role of this variant in disease. Therefore, it has been classified as a Variant of Uncertain Significance. Variants that disrupt the consensus splice site are a relatively common cause of aberrant splicing (PMID: 17576681, 9536098). Algorithms developed to predict the effect of sequence changes on RNA splicing suggest that this variant may disrupt the consensus splice site. This variant has not been reported in the literature in individuals affected with TERT-related conditions. This variant is not present in population databases (gnomAD no frequency). This sequence change falls in intron 3 of the TERT gene. It does not directly change the encoded amino acid sequence of the TERT protein. It affects a nucleotide within the consensus splice site.

Literature cited by the submitters: PubMed 17576681 (cited by Labcorp Genetics (formerly Invitae), Labcorp); PubMed 9536098 (cited by Labcorp Genetics (formerly Invitae), Labcorp).

NM_198253.3(TERT):c.1770-3C>T

Gene: TERT (telomerase reverse transcriptase; minus strand). Cytogenetic location: 5p15.33.
Variant type: single nucleotide variant.
Coding change: c.1770-3C>T on transcript NM_198253.3 (MANE Select); 3 bases into the intron before coding-DNA position 1770, C replaced by T.
Molecular consequence: intron variant.
Genome position (GRCh38, 1-based): chr5:1,280,341, G>A on the plus strand (C>T on the coding strand, the complement: TERT is on the minus strand). VCF-style: chr5-1280341-G-A. GRCh37 (hg19) VCF-style: chr5-1280456-G-A.
Other names: c.1770-3C>T (NM_198253.2, NM_001193376.3).
Identifiers: ClinVar variation 1922904 (VCV001922904.6), dbSNP rs2126644804, ClinGen allele CA2580072205.